The following is an entry in ClinVar:

ClinVar aggregate classification (germline): Uncertain significance. Review status: criteria provided, multiple submitters, no conflicts (2 of 4 stars). 3 submissions from 3 submitters: Uncertain significance (3). Last evaluated 2025-05-09.

Conditions:
Hereditary nonpolyposis colorectal neoplasms. Identifiers: MedGen C0009405, MeSH D003123.
Hereditary cancer-predisposing syndrome. Also called: Neoplastic Syndromes, Hereditary; Tumor predisposition; Hereditary neoplastic syndrome; Hereditary Cancer Syndrome. Identifiers: Orphanet 140162, MedGen C0027672, MeSH D009386, MONDO:0015356.

Submissions (3):

Ambry Genetics
Classification: Uncertain significance for Hereditary cancer-predisposing syndrome. Last evaluated: 2025-05-09. Review status: criteria provided, single submitter. Criteria: Ambry Variant Classification Scheme 2023. Collection method: clinical testing. Allele origin: germline.
Comment: The p.G271S variant (also known as c.811G>A), located in coding exon 8 of the PMS2 gene, results from a G to A substitution at nucleotide position 811. The glycine at codon 271 is replaced by serine, an amino acid with similar properties. This amino acid position is highly conserved in available vertebrate species. In addition, this alteration is predicted to be deleterious by in silico analysis. Since supporting evidence is limited at this time, the clinical significance of this alteration remains unclear.

Color Diagnostics, LLC DBA Color Health
Classification: Uncertain significance for Hereditary cancer-predisposing syndrome. Last evaluated: 2024-06-10. Review status: criteria provided, single submitter. Criteria: ACMG Guidelines, 2015. Collection method: clinical testing. Allele origin: germline.
Comment: This missense variant replaces glycine with serine at codon 271 of the PMS2 protein. Computational prediction suggests that this variant may have deleterious impact on protein structure and function (internally defined REVEL score threshold >= 0.7, PMID: 27666373). To our knowledge, functional studies have not been reported for this variant. This variant has been reported in an individual affected with endometrial and colorectal cancer that demonstrated loss of MLH1 and PMS2 proteins via immunohistochemistry analysis (PMID: 34048176). This variant has not been identified in the general population by the Genome Aggregation Database (gnomAD). Different variants affecting the same codon, c.811G>C (p.Gly271Arg), c.812G>T (p.Gly271Val), and c.812G>A (p.Gly271Asp) have been described to be disease-causing (ClinVar variation ID: 1762082, 827470, 640477), supporting that this position is important for the protein function. The available evidence is insufficient to determine the role of this variant in disease conclusively. Therefore, this variant is classified as a Variant of Uncertain Significance.

Labcorp Genetics (formerly Invitae), Labcorp
Classification: Uncertain significance for Hereditary nonpolyposis colorectal neoplasms. Last evaluated: 2018-10-02. Review status: criteria provided, single submitter. Criteria: Invitae Variant Classification Sherloc (09022015). Collection method: clinical testing. Allele origin: germline.
Comment: Algorithms developed to predict the effect of missense changes on protein structure and function (SIFT, PolyPhen-2, Align-GVGD) all suggest that this variant is likely to be disruptive, but these predictions have not been confirmed by published functional studies and their clinical significance is uncertain. This variant has not been reported in the literature in individuals with PMS2-related disease. This variant is not present in population databases (ExAC no frequency). This sequence change replaces glycine with serine at codon 271 of the PMS2 protein (p.Gly271Ser). The glycine residue is highly conserved and there is a small physicochemical difference between glycine and serine. In summary, the available evidence is currently insufficient to determine the role of this variant in disease. Therefore, it has been classified as a Variant of Uncertain Significance.

Literature cited by the submitters: PubMed 32664968 (cited by Ambry Genetics); PubMed 34048176 (cited by Ambry Genetics and Color Diagnostics, LLC DBA Color Health).

NM_000535.7(PMS2):c.811G>A (p.Gly271Ser)

Gene: PMS2 (PMS1 homolog 2, mismatch repair system component; minus strand). Cytogenetic location: 7p22.1.
Variant type: single nucleotide variant.
Coding change: c.811G>A on transcript NM_000535.7 (MANE Select); coding-DNA position 811, G replaced by A.
Protein change: p.Gly271Ser; replaces glycine 271 with serine.
Molecular consequence: missense variant. On other transcripts: 5 prime UTR variant (2), non-coding transcript variant (1).
Genome position (GRCh38, 1-based): chr7:5,995,626, C>T on the plus strand (G>A on the coding strand, the complement: PMS2 is on the minus strand). VCF-style: chr7-5995626-C-T. GRCh37 (hg19) VCF-style: chr7-6035257-C-T.
Other names: c.406G>A, p.Gly136Ser (NM_001322003.2, NM_001322004.2, NM_001322005.2 and 2 more transcripts); c.811G>A, p.Gly271Ser (NM_001322006.2, NM_001322014.2); c.493G>A, p.Gly165Ser (NM_001322007.2, NM_001322008.2); c.-123G>A (NM_001322011.2, NM_001322012.2); c.238G>A, p.Gly80Ser (NM_001322013.2); c.502G>A, p.Gly168Ser (NM_001322015.2); short protein forms G271S, G165S, G136S, G168S, G80S.
Identifiers: ClinVar variation 662940 (VCV000662940.14), dbSNP rs1583364895, ClinGen allele CA366743570.